The following is an entry in ClinVar:

NM_031844.3(HNRNPU):c.1267A>C (p.Lys423Gln)

Gene: HNRNPU (heterogeneous nuclear ribonucleoprotein U; minus strand). Cytogenetic location: 1q44.
Variant type: single nucleotide variant.
Coding change: c.1267A>C on transcript NM_031844.3 (MANE Select); coding-DNA position 1267, A replaced by C.
Protein change: p.Lys423Gln; replaces lysine 423 with glutamine.
Molecular consequence: missense variant.
Genome position (GRCh38, 1-based): chr1:244,858,238, T>G on the plus strand (A>C on the coding strand, the complement: HNRNPU is on the minus strand). VCF-style: chr1-244858238-T-G. GRCh37 (hg19) VCF-style: chr1-245021540-T-G.
Other names: c.1210A>C, p.Lys404Gln (NM_004501.3); short protein forms K404Q, K423Q.
Identifiers: ClinVar variation 1694554 (VCV001694554.31), dbSNP rs2102986760, ClinGen allele CA345492008.

ClinVar aggregate classification (germline): Uncertain significance (1 of 4 stars; one submission).

Submission:

CeGaT Center for Human Genetics Tuebingen
Classification: Uncertain significance. Last evaluated: 2022-05-01. Review status: criteria provided, single submitter. Criteria: CeGaT Center For Human Genetics Tuebingen Variant Classification Criteria Version 2. Collection method: clinical testing. Allele origin: germline. Affected: yes. Observed: 1 variant allele.
Comment: HNRNPU: PM2, PP2, BP5